The following is an entry in ClinVar:

ClinVar aggregate classification (germline): Uncertain significance (1 of 4 stars; one submission).

Conditions:
Cardiovascular phenotype. Identifiers: MedGen CN230736.

Submission:

Ambry Genetics
Classification: Uncertain significance for Cardiovascular phenotype. Last evaluated: 2022-05-30. Review status: criteria provided, single submitter. Criteria: Ambry Variant Classification Scheme 2023. Collection method: clinical testing. Allele origin: germline.
Comment: The p.P1926R variant (also known as c.5777C>G), located in coding exon 38 of the ANK2 gene, results from a C to G substitution at nucleotide position 5777. The proline at codon 1926 is replaced by arginine, an amino acid with dissimilar properties. This amino acid position is conserved. In addition, this alteration is predicted to be tolerated by in silico analysis. Since supporting evidence is limited at this time, the clinical significance of this alteration remains unclear.

NM_001148.6(ANK2):c.5777C>G (p.Pro1926Arg)

Genes: ANK2 (ankyrin 2; plus strand), LOC126807136 (MED14-independent group 3 enhancer GRCh37_chr4:114274931-114276130; plus strand). Cytogenetic location: 4q26.
Variant type: single nucleotide variant.
Coding change: c.5777C>G on transcript NM_001148.6 (MANE Select); coding-DNA position 5777, C replaced by G.
Protein change: p.Pro1926Arg; replaces proline 1926 with arginine.
Molecular consequence: missense variant. On other transcripts: intron variant (68).
Genome position (GRCh38, 1-based): chr4:113,354,395, C>G. VCF-style: chr4-113354395-C-G. GRCh37 (hg19) VCF-style: chr4-114275551-C-G.
Other names: c.5543C>G, p.Pro1848Arg (NM_001386142.1); c.2177C>G, p.Pro726Arg (NM_001386166.1); c.5918C>G, p.Pro1973Arg (NM_001386174.1); c.5894C>G, p.Pro1965Arg (NM_001386175.1); c.4411+4146C>G (NM_001386186.2, NM_001386148.2); c.4213+4146C>G (NM_001354269.3); c.4291+4146C>G (NM_001386187.2); c.4252+4146C>G (NM_001386147.1); and 35 more; short protein forms P1965R, P1973R, P726R, P1848R, P1926R.
Identifiers: ClinVar variation 1749578 (VCV001749578.2), dbSNP rs764446660, ClinGen allele CA357921264.
Genomic context (GRCh38, chr4:113,354,395, plus strand): 5'-CTTCAGGCAAAACAGACAAACGTCCACCTGTATCGCCCTCCGGGAGGACAGAAAAACACC[C>G]GCCAGTATCGCCTGGGAGAACAGAAAAACGCTTGCCTGTTTCACCCTCCGGAAGAACGGA-3'
Protein context (NP_001139.3, residues 1916-1936): VSPSGRTEKH[Pro1926Arg]PVSPGRTEKR